The following is an entry in ClinVar:

ClinVar aggregate classification (germline): Benign/Likely benign. Review status: criteria provided, multiple submitters, no conflicts (2 of 4 stars). 6 submissions from 5 submitters: Benign (3); Likely benign (3). Last evaluated 2025-10-09.

Conditions:
Fibromuscular dysplasia, multifocal. Identifiers: MedGen C5543412, MONDO:0859151, OMIM 619329.
Ehlers-Danlos syndrome, classic type, 1 (EDSCL1). Also called: Ehlers-Danlos Syndrome, Classic Type, COL5A1-Related; EHLERS-DANLOS SYNDROME, GRAVIS TYPE; EHLERS-DANLOS SYNDROME, SEVERE CLASSIC TYPE; Ehlers-Danlos syndrome, type 1; EDS I. Identifiers: MedGen C0268335, MONDO:0019567, OMIM 130000.
Ehlers-Danlos syndrome (EDS). Identifiers: Orphanet 98249, MedGen C0013720, MONDO:0020066.
Familial thoracic aortic aneurysm and aortic dissection (TAAD). Also called: Thoracic aortic aneurysms and dissections. Identifiers: Orphanet 91387, MedGen C4707243, MONDO:0019625.

Allele frequency attached by ClinVar (database versions not stated): gnomAD below 0.00001 and 0.00001; TOPMed 0.00002; gnomAD exomes 0.00006 and 0.00003; ExAC 0.00006.
gnomAD v4.1: 55 of 1,613,182 alleles (0.0034%); highest among the groups gnomAD compares: South Asian, 0.046%; 2 homozygotes.

Submissions (6):

Labcorp Genetics (formerly Invitae), Labcorp
Classification: Likely benign for Ehlers-Danlos syndrome, classic type, 1. Last evaluated: 2025-10-09. Review status: criteria provided, single submitter. Criteria: Invitae Variant Classification Sherloc (09022015). Collection method: clinical testing. Allele origin: germline.

Ambry Genetics
Classification: Likely benign for Familial thoracic aortic aneurysm and aortic dissection. Last evaluated: 2023-07-24. Review status: criteria provided, single submitter. Criteria: Ambry Variant Classification Scheme 2023. Collection method: clinical testing. Allele origin: germline.

Genome Diagnostics Laboratory, The Hospital for Sick Children
Classification: Likely benign for Ehlers-Danlos syndrome. Last evaluated: 2022-03-24. Review status: criteria provided, single submitter. Criteria: ACMG Guidelines, 2015. Collection method: clinical testing. Allele origin: germline.

Genome-Nilou Lab
Classification: Benign for Ehlers-Danlos syndrome, classic type, 1. Last evaluated: 2022-03-15. Review status: criteria provided, single submitter. Criteria: ACMG Guidelines, 2015. Collection method: clinical testing. Allele origin: germline. Affected: no.

Genome-Nilou Lab
Classification: Benign for Fibromuscular dysplasia, multifocal. Last evaluated: 2022-03-15. Review status: criteria provided, single submitter. Criteria: ACMG Guidelines, 2015. Collection method: clinical testing. Allele origin: germline. Affected: no.

GeneDx
Classification: Benign. Last evaluated: 2015-02-05. Review status: criteria provided, single submitter. Criteria: GeneDx Variant Classification (06012015). Collection method: clinical testing. Allele origin: germline. Affected: yes.
Comment: This variant is considered likely benign or benign based on one or more of the following criteria: it is a conservative change, it occurs at a poorly conserved position in the protein, it is predicted to be benign by multiple in silico algorithms, and/or has population frequency not consistent with disease.

NM_000093.5(COL5A1):c.1590C>T (p.Gly530=)

Gene: COL5A1 (collagen type V alpha 1 chain; plus strand). Cytogenetic location: 9q34.3.
Variant type: single nucleotide variant.
Coding change: c.1590C>T on transcript NM_000093.5 (MANE Select); coding-DNA position 1590, C replaced by T.
Protein change: p.Gly530=; no amino-acid change (glycine 530 retained).
Molecular consequence: synonymous variant.
Genome position (GRCh38, 1-based): chr9:134,750,810, C>T. VCF-style: chr9-134750810-C-T. GRCh37 (hg19) VCF-style: chr9-137642656-C-T.
Other names: p.G530G:GGC>GGT; c.1590C>T, p.Gly530= (NM_001278074.1).
Identifiers: ClinVar variation 212884 (VCV000212884.18), dbSNP rs769010469, ClinGen allele CA321292.